The following is an entry in ClinVar:

NM_145207.3(AFG2A):c.830A>T (p.Asp277Val)

Gene: AFG2A (AAA ATPase AFG2A; plus strand). Cytogenetic location: 4q28.1.
Variant type: single nucleotide variant.
Coding change: c.830A>T on transcript NM_145207.3 (MANE Select); coding-DNA position 830, A replaced by T.
Protein change: p.Asp277Val; replaces aspartic acid 277 with valine.
Molecular consequence: missense variant.
Genome position (GRCh38, 1-based): chr4:122,934,421, A>T. VCF-style: chr4-122934421-A-T. GRCh37 (hg19) VCF-style: chr4-123855576-A-T.
Other names: c.827A>T, p.Asp276Val (NM_001317799.2, NM_001345856.2); short protein forms D277V, D276V.
Identifiers: ClinVar variation 542383 (VCV000542383.16), dbSNP rs150370442, ClinGen allele CA3070327.
Genomic context (GRCh38, chr4:122,934,421, plus strand): 5'-ATGACAGAATTACAAATAAAGCCAGTGATGTTTTGCTGGATGTTACACAGAGCCCTGGAG[A>T]TGGCAGTGGACTTATGCTAGAGGAAGTCACAGGTCTTAAATGTAATTTTGAATCTGCCAG-3'
Protein context (NP_660208.2, residues 267-287): VLLDVTQSPG[Asp277Val]GSGLMLEEVT

ClinVar aggregate classification (germline): Conflicting classifications of pathogenicity. Review status: criteria provided, conflicting classifications (1 of 4 stars). 3 submissions from 3 submitters: Uncertain significance (2); Likely benign (1). Last evaluated 2026-01-05.

Conditions:
Inborn genetic diseases. Identifiers: MedGen C0950123, MeSH D030342.
Microcephaly-intellectual disability-sensorineural hearing loss-epilepsy-abnormal muscle tone syndrome (NEDHSB). Also called: NEURODEVELOPMENTAL DISORDER WITH HEARING LOSS, SEIZURES, AND BRAIN ABNORMALITIES. Identifiers: Orphanet 457351, MedGen C4225276, MONDO:0014698, OMIM 616577.

Allele frequency attached by ClinVar (database versions not stated): gnomAD exomes 0.00035; gnomAD 0.00042 and 0.00041; ExAC 0.00026; ESP Exome Variant Server 0.00092; TOPMed 0.00038.
gnomAD v4.1: 939 of 1,614,106 alleles (0.058%); highest among the groups gnomAD compares: Non-Finnish European, 0.076%; 2 homozygotes.

Submissions (3):

Labcorp Genetics (formerly Invitae), Labcorp
Classification: Likely benign for Microcephaly-intellectual disability-sensorineural hearing loss-epilepsy-abnormal muscle tone syndrome. Last evaluated: 2026-01-05. Review status: criteria provided, single submitter. Criteria: Invitae Variant Classification Sherloc (09022015). Collection method: clinical testing. Allele origin: germline.

GeneDx
Classification: Uncertain significance. Last evaluated: 2024-06-23. Review status: criteria provided, single submitter. Criteria: GeneDx Variant Classification Process June 2021. Collection method: clinical testing. Allele origin: germline. Affected: yes.
Comment: In silico analysis indicates that this missense variant does not alter protein structure/function; Has not been previously published as pathogenic or benign to our knowledge

Ambry Genetics
Classification: Uncertain significance for Inborn genetic diseases. Last evaluated: 2021-12-06. Review status: criteria provided, single submitter. Criteria: Ambry Variant Classification Scheme 2023. Collection method: clinical testing. Allele origin: germline.
Comment: The c.830A>T (p.D277V) alteration is located in exon 5 (coding exon 5) of the SPATA5 gene. This alteration results from a A to T substitution at nucleotide position 830, causing the aspartic acid (D) at amino acid position 277 to be replaced by a valine (V). The p.D277V alteration is predicted to be tolerated by in silico analysis. Based on insufficient or conflicting evidence, the clinical significance of this alteration remains unclear.